The following is an entry in ClinVar:

NM_017752.3(TBC1D8B):c.1703A>G (p.Lys568Arg)

Gene: TBC1D8B (TBC1 domain family member 8B; plus strand). Cytogenetic location: Xq22.3.
Variant type: single nucleotide variant.
Coding change: c.1703A>G on transcript NM_017752.3 (MANE Select); coding-DNA position 1703, A replaced by G.
Protein change: p.Lys568Arg; replaces lysine 568 with arginine.
Molecular consequence: missense variant.
Genome position (GRCh38, 1-based): chrX:106,840,868, A>G. VCF-style: chrX-106840868-A-G. GRCh37 (hg19) VCF-style: chrX-106084098-A-G.
Other names: c.1703A>G (NM_017752.2); c.1703A>G, p.Lys568Arg (NM_198881.2); short protein forms K568R.
Identifiers: ClinVar variation 2192741 (VCV002192741.7), dbSNP rs775069953, ClinGen allele CA10483183.

ClinVar aggregate classification (germline): Uncertain significance. Review status: criteria provided, multiple submitters, no conflicts (2 of 4 stars). 2 submissions from 2 submitters: Uncertain significance (2). Last evaluated 2025-06-17.

Allele frequency attached by ClinVar (database versions not stated): ExAC 0.00001; gnomAD exomes 0.00001; gnomAD 0.00005; TOPMed 0.00008.
gnomAD v4.1: 10 of 1,207,576 alleles (0.00083%); highest among the groups gnomAD compares: African/African-American, 0.014%; no homozygotes.

Submissions (2):

Ambry Genetics
Classification: Uncertain significance. Last evaluated: 2025-06-17. Review status: criteria provided, single submitter. Criteria: Ambry Variant Classification Scheme 2023. Collection method: clinical testing. Allele origin: germline.

Labcorp Genetics (formerly Invitae), Labcorp
Classification: Uncertain significance. Last evaluated: 2024-04-29. Review status: criteria provided, single submitter. Criteria: Invitae Variant Classification Sherloc (09022015). Collection method: clinical testing. Allele origin: germline.
Comment: This sequence change replaces lysine, which is basic and polar, with arginine, which is basic and polar, at codon 568 of the TBC1D8B protein (p.Lys568Arg). This variant is present in population databases (rs775069953, gnomAD 0.02%). This variant has not been reported in the literature in individuals affected with TBC1D8B-related conditions. ClinVar contains an entry for this variant (Variation ID: 2192741). Algorithms developed to predict the effect of missense changes on protein structure and function output the following: SIFT: "Not Available"; PolyPhen-2: "Benign"; Align-GVGD: "Not Available". The arginine amino acid residue is found in multiple mammalian species, which suggests that this missense change does not adversely affect protein function. In summary, the available evidence is currently insufficient to determine the role of this variant in disease. Therefore, it has been classified as a Variant of Uncertain Significance.